The following is an entry in ClinVar:

ClinVar aggregate classification (germline): Uncertain significance (1 of 4 stars; one submission).

Conditions:
Junctional epidermolysis bullosa. Identifiers: Orphanet 305, MedGen C0079301, MONDO:0017612.

gnomAD v4.1: 3 of 1,613,930 alleles (0.00019%); highest among the groups gnomAD compares: Middle Eastern, 0.016%; no homozygotes.

Submission:

Myriad Genetics, Inc.
Classification: Uncertain significance for Junctional epidermolysis bullosa. Last evaluated: 2025-08-28. Review status: criteria provided, single submitter. Criteria: Myriad Autosomal Dominant, Autosomal Recessive and X-Linked Classification Criteria (2023). Collection method: clinical testing. Allele origin: unknown.
Comment: NM_000227.3(LAMA3):c.4301G>T(R1434L) is a missense variant classified as a variant of uncertain significance in the context of junctional epidermolysis bullosa, LAMA3-related. R1434L has not been observed in cases with relevant disease. Relevant functional assessments of this variant are not available in the literature. R1434L has been observed in referenced population frequency databases. In summary, there is insufficient evidence to classify NM_000227.3(LAMA3):c.4301G>T(R1434L) as pathogenic or benign. Please note: this variant was assessed in the context of healthy population screening.

NM_198129.4(LAMA3):c.9128G>T (p.Arg3043Leu)

Gene: LAMA3 (laminin subunit alpha 3; plus strand). Cytogenetic location: 18q11.2.
Variant type: single nucleotide variant.
Coding change: c.9128G>T on transcript NM_198129.4 (MANE Select); coding-DNA position 9128, G replaced by T.
Protein change: p.Arg3043Leu; replaces arginine 3043 with leucine.
Molecular consequence: missense variant.
Genome position (GRCh38, 1-based): chr18:23,943,889, G>T. VCF-style: chr18-23943889-G-T. GRCh37 (hg19) VCF-style: chr18-21523853-G-T.
Other names: c.4301G>T, p.Arg1434Leu (NM_000227.6); c.8960G>T, p.Arg2987Leu (NM_001127717.4); c.4133G>T, p.Arg1378Leu (NM_001127718.4); short protein forms R1434L, R1378L, R2987L, R3043L.
Identifiers: ClinVar variation 5003309 (VCV005003309.1).
Genomic context (GRCh38, chr18:23,943,889, plus strand): 5'-GACTGGTGTTTCACACGGGCACTAAGAACTCCTTTATGGCTCTTTATCTTTCAAAAGGAC[G>T]TCTGGTCTTTGCACTGGGGACAGATGGGAAAAAATTGAGGATCAAAAGCAAGGAGAAATG-3'
Protein context (NP_937762.2, residues 3033-3053): SFMALYLSKG[Arg3043Leu]LVFALGTDGK